The following is an entry in ClinVar:

ClinVar aggregate classification (germline): Conflicting classifications of pathogenicity. Review status: criteria provided, conflicting classifications (1 of 4 stars). 3 submissions from 3 submitters: Uncertain significance (2); Likely benign (1). Last evaluated 2024-05-02.

Conditions:
Hereditary cancer-predisposing syndrome. Also called: Tumor predisposition; Neoplastic Syndromes, Hereditary; Hereditary Cancer Syndrome; Hereditary neoplastic syndrome. Identifiers: Orphanet 140162, MedGen C0027672, MeSH D009386, MONDO:0015356.
Neurofibromatosis, type 1 (NF1). Also called: Neurofibromatosis, type I; NEUROFIBROMATOSIS, TYPE I, SOMATIC; Peripheral type neurofibromatosis; VON RECKLINGHAUSEN DISEASE. Identifiers: Orphanet 636, MedGen C0027831, MONDO:0018975, OMIM 162200. Disease mechanism: loss of function.

Allele frequency attached by ClinVar (database versions not stated): gnomAD exomes below 0.00001; TOPMed below 0.00001; gnomAD 0.00001.
gnomAD v4.1: 2 of 1,613,770 alleles (0.00012%); highest among the groups gnomAD compares: South Asian, 0.0011%; no homozygotes.

Submissions (3):

Labcorp Genetics (formerly Invitae), Labcorp
Classification: Likely benign for Neurofibromatosis, type 1. Last evaluated: 2024-05-02. Review status: criteria provided, single submitter. Criteria: Invitae Variant Classification Sherloc (09022015). Collection method: clinical testing. Allele origin: germline.

Genome-Nilou Lab
Classification: Uncertain significance for Neurofibromatosis, type 1. Last evaluated: 2022-03-15. Review status: criteria provided, single submitter. Criteria: ACMG Guidelines, 2015. Collection method: clinical testing. Allele origin: germline. Affected: no.

Sema4
Classification: Uncertain significance for Hereditary cancer-predisposing syndrome. Last evaluated: 2021-06-23. Review status: criteria provided, single submitter. Criteria: Sema4 Curation Guidelines. Collection method: curation. Allele origin: germline.
Comment: The NF1 c.1062+6A>G variant has not been reported in the literature to our knowledge. It was not observed in the large and broad cohorts of the Genome Aggregation Database (PMID: 32461654) but has been reported in ClinVar (Variation ID: 404483). In silico tools suggest the variant does not significantly impact splicing, though these predictions have not been confirmed by functional studies. The evidence is insufficient to meet ACMG/AMP criteria for classifying the variant as benign or pathogenic. Thus, the clinical significance of this variant is currently uncertain.

NM_001042492.3(NF1):c.1062+6A>G

Gene: NF1 (neurofibromin 1; plus strand). Cytogenetic location: 17q11.2.
Variant type: single nucleotide variant.
Coding change: c.1062+6A>G on transcript NM_001042492.3 (MANE Select); 6 bases into the intron after coding-DNA position 1062, A replaced by G.
Molecular consequence: intron variant.
Genome position (GRCh38, 1-based): chr17:31,200,601, A>G. VCF-style: chr17-31200601-A-G. GRCh37 (hg19) VCF-style: chr17-29527619-A-G.
Other names: c.1062+6A>G (NM_000267.4, NM_001128147.3).
Identifiers: ClinVar variation 404483 (VCV000404483.7), dbSNP rs1060500291, ClinGen allele CA16615428.